The following is an entry in ClinVar:

NM_003000.3(SDHB):c.383A>G (p.Tyr128Cys)

Gene: SDHB (succinate dehydrogenase complex iron sulfur subunit B; minus strand). Cytogenetic location: 1p36.13.
Variant type: single nucleotide variant.
Coding change: c.383A>G on transcript NM_003000.3 (MANE Select); coding-DNA position 383, A replaced by G.
Protein change: p.Tyr128Cys; replaces tyrosine 128 with cysteine.
Molecular consequence: missense variant.
Genome position (GRCh38, 1-based): chr1:17,028,640, T>C on the plus strand (A>G on the coding strand, the complement: SDHB is on the minus strand). VCF-style: chr1-17028640-T-C. GRCh37 (hg19) VCF-style: chr1-17355135-T-C.
Other names: short protein forms Y128C.
Identifiers: ClinVar variation 528744 (VCV000528744.12), dbSNP rs772158627, ClinGen allele CA089601.

ClinVar aggregate classification (germline): Uncertain significance. Review status: criteria provided, multiple submitters, no conflicts (2 of 4 stars). 2 submissions from 2 submitters: Uncertain significance (2). Last evaluated 2025-03-28.

Conditions:
Hereditary cancer-predisposing syndrome. Also called: Hereditary neoplastic syndrome; Neoplastic Syndromes, Hereditary; Hereditary Cancer Syndrome; Tumor predisposition. Identifiers: Orphanet 140162, MedGen C0027672, MeSH D009386, MONDO:0015356.
Pheochromocytoma. Also called: MAX-Related Hereditary Paraganglioma-Pheochromocytoma Syndrome. Identifiers: Orphanet 29072, MedGen C0031511, MONDO:0008233, OMIM 171300, HP:0002666.
Gastrointestinal stromal tumor. Also called: Gastrointestinal stromal tumor, somatic; Gastrointestinal stroma tumor. Identifiers: Orphanet 44890, MedGen C0238198, MeSH D046152, MONDO:0011719, OMIM 606764, HP:0100723.
Pheochromocytoma/paraganglioma syndrome 4. Also called: SDHB-Related Hereditary Paraganglioma-Pheochromocytoma Syndrome; PARAGANGLIOMA, FAMILIAL MALIGNANT; PARAGANGLIOMAS, HEREDITARY EXTRAADRENAL; PHEOCHROMOCYTOMA, FAMILIAL EXTRAADRENAL; Paragangliomas 4; CAROTID BODY TUMORS AND MULTIPLE EXTRAADRENAL PHEOCHROMOCYTOMAS. Identifiers: Orphanet 29072, MedGen C1861848, MONDO:0007273, OMIM 115310.

Allele frequency attached by ClinVar (database versions not stated): gnomAD 0.00001; gnomAD exomes 0.00001; TOPMed 0.00001; ExAC 0.00001.
gnomAD v4.1: 7 of 1,613,898 alleles (0.00043%); highest among the groups gnomAD compares: East Asian, 0.0022%; no homozygotes.

Submissions (2):

Ambry Genetics
Classification: Uncertain significance for Hereditary cancer-predisposing syndrome. Last evaluated: 2025-03-28. Review status: criteria provided, single submitter. Criteria: Ambry Variant Classification Scheme 2023. Collection method: clinical testing. Allele origin: germline.
Comment: The p.Y128C variant (also known as c.383A>G), located in coding exon 4 of the SDHB gene, results from an A to G substitution at nucleotide position 383. The tyrosine at codon 128 is replaced by cysteine, an amino acid with highly dissimilar properties. This amino acid position is highly conserved in available vertebrate species. In addition, this alteration is predicted to be deleterious by in silico analysis. Based on the available evidence, the clinical significance of this variant remains unclear.

Labcorp Genetics (formerly Invitae), Labcorp
Classification: Uncertain significance for Gastrointestinal stromal tumor; Pheochromocytoma/paraganglioma syndrome 4; Pheochromocytoma. Last evaluated: 2024-04-11. Review status: criteria provided, single submitter. Criteria: Invitae Variant Classification Sherloc (09022015). Collection method: clinical testing. Allele origin: germline.
Comment: This sequence change replaces tyrosine, which is neutral and polar, with cysteine, which is neutral and slightly polar, at codon 128 of the SDHB protein (p.Tyr128Cys). This variant is present in population databases (rs772158627, gnomAD 0.003%). This missense change has been observed in individual(s) with pheochromocytoma and/or paraganglioma (PMID: 34906457). ClinVar contains an entry for this variant (Variation ID: 528744). Advanced modeling of protein sequence and biophysical properties (such as structural, functional, and spatial information, amino acid conservation, physicochemical variation, residue mobility, and thermodynamic stability) performed at Invitae indicates that this missense variant is expected to disrupt SDHB protein function with a positive predictive value of 80%. In summary, the available evidence is currently insufficient to determine the role of this variant in disease. Therefore, it has been classified as a Variant of Uncertain Significance.

Literature cited by the submitters: PubMed 34906457 (cited by Labcorp Genetics (formerly Invitae), Labcorp).